The following is an entry in ClinVar:

NM_018489.3(ASH1L):c.3200C>A (p.Pro1067His)

Gene: ASH1L (ASH1 like histone lysine methyltransferase; minus strand). Cytogenetic location: 1q22.
Variant type: single nucleotide variant.
Coding change: c.3200C>A on transcript NM_018489.3 (MANE Select); coding-DNA position 3200, C replaced by A.
Protein change: p.Pro1067His; replaces proline 1067 with histidine.
Molecular consequence: missense variant.
Genome position (GRCh38, 1-based): chr1:155,479,670, G>T on the plus strand (C>A on the coding strand, the complement: ASH1L is on the minus strand). VCF-style: chr1-155479670-G-T. GRCh37 (hg19) VCF-style: chr1-155449461-G-T.
Other names: c.3200C>A, p.Pro1067His (NM_001366177.2); short protein forms P1067H.
Identifiers: ClinVar variation 1316134 (VCV001316134.2), dbSNP rs2148724286, ClinGen allele CA342713841.

ClinVar aggregate classification (germline): Uncertain significance (1 of 4 stars; one submission).

gnomAD v4.1: 1 of 1,614,146 alleles (0.000062%); highest among the groups gnomAD compares: South Asian, 0.0011%; no homozygotes.

Submission:

GeneDx
Classification: Uncertain significance. Last evaluated: 2020-07-31. Review status: criteria provided, single submitter. Criteria: GeneDx Variant Classification Process June 2021. Collection method: clinical testing. Allele origin: germline. Affected: yes.
Comment: Not observed in large population cohorts (Lek et al., 2016); In silico analysis, which includes protein predictors and evolutionary conservation, supports that this variant does not alter protein structure/function; Has not been previously published as pathogenic or benign to our knowledge